The following is an entry in ClinVar:

ClinVar aggregate classification (germline): Pathogenic/Likely pathogenic. Review status: criteria provided, multiple submitters, no conflicts (2 of 4 stars). 2 submissions from 2 submitters: Pathogenic (1); Likely pathogenic (1). Last evaluated 2025-01-21.

Conditions:
Inborn genetic diseases. Identifiers: MedGen C0950123, MeSH D030342.
IGF2-related disorder. Also called: IGF2-related condition.

Submissions (2):

PreventionGenetics, part of Exact Sciences
Classification: Likely pathogenic for IGF2-related condition. Last evaluated: 2025-01-21. Review status: criteria provided, single submitter. Criteria: ACMG Guidelines, 2015. Collection method: clinical testing. Allele origin: germline.
Comment: The IGF2 c.100G>C variant is predicted to result in the amino acid substitution p.Gly34Arg. To our knowledge, this variant has not been reported in the literature. This variant has not been reported in a large population database (gnomAD), indicating this variant is rare. An alternate variant impacting the same amino acid residue (p.Gly34Asp) has been reported as de novo in at least one patient with Silver–Russell syndrome (Liu et al. 2017. PubMed ID: 28848601). This variant is interpreted as likely pathogenic.

Ambry Genetics
Classification: Pathogenic for Inborn genetic diseases. Last evaluated: 2020-12-31. Review status: criteria provided, single submitter. Criteria: Ambry Variant Classification Scheme 2023. Collection method: clinical testing. Allele origin: germline.
Comment: The c.100G>C (p.G34R) alteration is located in exon 2 (coding exon 1) of the IGF2 gene. This alteration results from a G to C substitution at nucleotide position 100, causing the glycine (G) at amino acid position 34 to be replaced by an arginine (R). Based on data from the Genome Aggregation Database (gnomAD), the IGF2 c.100G>C alteration was not observed, with coverage at this position. Another alteration at this same codon, c.101G>A (p.G34D), was reported de novo in a patient with Silver-Russell syndrome (Liu, 2017). This amino acid position is highly conserved in available vertebrate species. The p.G34R alteration is predicted to be deleterious by in silico analysis. Based on the available evidence, this alteration is classified as pathogenic.

Literature cited by the submitters: PubMed 28848601 (cited by Ambry Genetics).

NM_000612.6(IGF2):c.100G>C (p.Gly34Arg)

Genes: IGF2 (insulin like growth factor 2; minus strand), INS-IGF2 (INS-IGF2 readthrough; minus strand). Cytogenetic location: 11p15.5.
Variant type: single nucleotide variant.
Coding change: c.100G>C on transcript NM_000612.6 (MANE Select); coding-DNA position 100, G replaced by C.
Protein change: p.Gly34Arg; replaces glycine 34 with arginine.
Molecular consequence: missense variant. On other transcripts: non-coding transcript variant (1).
Genome position (GRCh38, 1-based): chr11:2,135,424, C>G on the plus strand (G>C on the coding strand, the complement: IGF2 is on the minus strand). VCF-style: chr11-2135424-C-G. GRCh37 (hg19) VCF-style: chr11-2156654-C-G.
Other names: c.100G>C (NM_000612.5); c.100G>C, p.Gly34Arg (NM_001007139.6, NM_001291861.3, NM_001291862.3); c.268G>C, p.Gly90Arg (NM_001127598.3); short protein forms G90R, G34R.
Identifiers: ClinVar variation 2228753 (VCV002228753.3), dbSNP rs1858937359, ClinGen allele CA379113900.